The following is an entry in ClinVar:

NM_001302998.2(LIPI):c.146C>G (p.Thr49Arg)

Gene: LIPI (lipase I; minus strand). Cytogenetic location: 21q11.2.
Variant type: single nucleotide variant.
Coding change: c.146C>G on transcript NM_001302998.2 (MANE Select); coding-DNA position 146, C replaced by G.
Protein change: p.Thr49Arg; replaces threonine 49 with arginine.
Molecular consequence: missense variant. On other transcripts: intron variant (1).
Genome position (GRCh38, 1-based): chr21:14,189,320, G>C on the plus strand (C>G on the coding strand, the complement: LIPI is on the minus strand). VCF-style: chr21-14189320-G-C. GRCh37 (hg19) VCF-style: chr21-15561641-G-C.
Other names: c.146C>G, p.Thr49Arg (NM_001302999.2, NM_001303000.2, NM_001303001.2 and 1 more transcripts); c.11C>G, p.Thr4Arg (NM_198996.4); c.47-7461C>G (NM_001379566.1); short protein forms T49R, T4R.
Identifiers: ClinVar variation 4761057 (VCV004761057.1).

ClinVar aggregate classification (germline): Uncertain significance (1 of 4 stars; one submission).

gnomAD v4.1: 3 of 1,613,218 alleles (0.00019%); highest among the groups gnomAD compares: Admixed American, 0.005%; no homozygotes.

Submission:

Labcorp Genetics (formerly Invitae), Labcorp
Classification: Uncertain significance. Last evaluated: 2025-06-04. Review status: criteria provided, single submitter. Criteria: Invitae Variant Classification Sherloc (09022015). Collection method: clinical testing. Allele origin: germline.
Comment: This sequence change replaces threonine, which is neutral and polar, with arginine, which is basic and polar, at codon 70 of the LIPI protein (p.Thr70Arg). This variant is present in population databases (no rsID available, gnomAD 0.006%). This variant has not been reported in the literature in individuals affected with LIPI-related conditions. An algorithm developed to predict the effect of missense changes on protein structure and function (PolyPhen-2) suggests that this variant is likely to be disruptive. In summary, the available evidence is currently insufficient to determine the role of this variant in disease. Therefore, it has been classified as a Variant of Uncertain Significance.